The following is an entry in ClinVar:

NM_000489.6(ATRX):c.2433G>C (p.Gln811His)

Gene: ATRX (ATRX chromatin remodeler; minus strand). Cytogenetic location: Xq21.1.
Variant type: single nucleotide variant.
Coding change: c.2433G>C on transcript NM_000489.6 (MANE Select); coding-DNA position 2433, G replaced by C.
Protein change: p.Gln811His; replaces glutamine 811 with histidine.
Molecular consequence: missense variant.
Genome position (GRCh38, 1-based): chrX:77,682,823, C>G on the plus strand (G>C on the coding strand, the complement: ATRX is on the minus strand). VCF-style: chrX-77682823-C-G. GRCh37 (hg19) VCF-style: chrX-76938315-C-G.
Other names: c.2319G>C, p.Gln773His (NM_138270.5); short protein forms Q773H, Q811H.
Identifiers: ClinVar variation 1430215 (VCV001430215.9), dbSNP rs1557139658, ClinGen allele CA413712421.

ClinVar aggregate classification (germline): Conflicting classifications of pathogenicity. Review status: criteria provided, conflicting classifications (1 of 4 stars). 2 submissions from 2 submitters: Uncertain significance (1); Likely benign (1). Last evaluated 2025-07-10.

Conditions:
Alpha thalassemia-X-linked intellectual disability syndrome (ATRX). Also called: ATR-X syndrome; Alpha thalassemia mental retardation syndrome, nondeletion type, X-linked; XLMR hypotonic face syndrome; X-linked alpha-thalassemia-mental retardation syndrome; ALPHA-THALASSEMIA/IMPAIRED INTELLECTUAL DEVELOPMENT SYNDROME, X-LINKED; ALPHA-THALASSEMIA/MENTAL RETARDATION SYNDROME, X-LINKED. Identifiers: Orphanet 847, MedGen C1845055, MONDO:0010519, OMIM 301040.

Allele frequency attached by ClinVar (database versions not stated): gnomAD exomes 0.00001 and below 0.00001.
gnomAD v4.1: 2 of 1,208,255 alleles (0.00017%); highest among the groups gnomAD compares: South Asian, 0.0018%; no homozygotes.

Submissions (2):

Women's Health and Genetics/Laboratory Corporation of America, LabCorp
Classification: Uncertain significance. Last evaluated: 2025-07-10. Review status: criteria provided, single submitter. Criteria: LabCorp Variant Classification Summary - May 2015. Collection method: clinical testing. Allele origin: germline.
Comment: Variant summary: ATRX c.2433G>C (p.Gln811His) results in a non-conservative amino acid change in the encoded protein sequence. Algorithms developed to predict the effect of missense changes on protein structure and function are either unavailable or do not agree on the potential impact of this missense change. The variant allele was found at a frequency of 5.6e-06 in 180016 control chromosomes. The available data on variant occurrences in the general population are insufficient to allow any conclusion about variant significance. c.2433G>C has been observed in at least one individual affected with a developmental disorder and the variant occurred de novo (example: Kaplanis_2020). These report(s) do not provide unequivocal conclusions about association of the variant with ATR-X Syndrome. To our knowledge, no experimental evidence demonstrating an impact on protein function has been reported. The following publication has been ascertained in the context of this evaluation (PMID: 33057194). ClinVar contains an entry for this variant (Variation ID: 1430215). Based on the evidence outlined above, the variant was classified as uncertain significance.

Labcorp Genetics (formerly Invitae), Labcorp
Classification: Likely benign for Alpha thalassemia-X-linked intellectual disability syndrome. Last evaluated: 2024-04-02. Review status: criteria provided, single submitter. Criteria: Invitae Variant Classification Sherloc (09022015). Collection method: clinical testing. Allele origin: germline.

Literature cited by the submitters: PubMed 33057194 (cited by Women's Health and Genetics/Laboratory Corporation of America, LabCorp).